The following is an entry in ClinVar:

NM_080680.3(COL11A2):c.1867C>A (p.Pro623Thr)

Gene: COL11A2 (collagen type XI alpha 2 chain; minus strand). Cytogenetic location: 6p21.32.
Variant type: single nucleotide variant.
Coding change: c.1867C>A on transcript NM_080680.3 (MANE Select); coding-DNA position 1867, C replaced by A.
Protein change: p.Pro623Thr; replaces proline 623 with threonine.
Molecular consequence: missense variant.
Genome position (GRCh38, 1-based): chr6:33,178,137, G>T on the plus strand (C>A on the coding strand, the complement: COL11A2 is on the minus strand). VCF-style: chr6-33178137-G-T. GRCh37 (hg19) VCF-style: chr6-33145914-G-T.
Other names: c.1609C>A, p.Pro537Thr (NM_080681.3); c.1687C>A, p.Pro563Thr (NM_001424108.1); c.1021C>A, p.Pro341Thr (NM_001424109.1); c.841C>A, p.Pro281Thr (NM_001424110.1, NM_001424111.1); c.1546C>A, p.Pro516Thr (NM_080679.3); short protein forms P281T, P341T, P537T, P563T, P516T, P623T.
Identifiers: ClinVar variation 2983523 (VCV002983523.3), dbSNP rs553386615, ClinGen allele CA3751173.
Genomic context (GRCh38, chr6:33,178,137, plus strand): 5'-AGAGTTGGAGAGGTCAAGGGGTCACCTCAGGGTCAGAAGTCAGGGAGTCACTTACAGGGG[G>T]TCCAGGAATACCAGGTGGGCCTTTGGGGCCAAGGAGACCTCGAGGTCCCTGCATTCACGG-3'
Protein context (NP_542411.2, residues 613-633): GPKGPPGIPG[Pro623Thr]PGVRGMDGPQ

ClinVar aggregate classification (germline): Uncertain significance (1 of 4 stars; one submission).

Allele frequency attached by ClinVar (database versions not stated): TOPMed below 0.00001; ExAC 0.00001; gnomAD 0.00001.
gnomAD v4.1: 3 of 1,609,204 alleles (0.00019%); highest among the groups gnomAD compares: Non-Finnish European, 0.00025%; no homozygotes.

Submission:

Labcorp Genetics (formerly Invitae), Labcorp
Classification: Uncertain significance. Last evaluated: 2023-12-21. Review status: criteria provided, single submitter. Criteria: Invitae Variant Classification Sherloc (09022015). Collection method: clinical testing. Allele origin: germline.
Comment: This sequence change replaces proline, which is neutral and non-polar, with threonine, which is neutral and polar, at codon 623 of the COL11A2 protein (p.Pro623Thr). This variant is present in population databases (rs553386615, gnomAD 0.0009%). This variant has not been reported in the literature in individuals affected with COL11A2-related conditions. Advanced modeling of protein sequence and biophysical properties (such as structural, functional, and spatial information, amino acid conservation, physicochemical variation, residue mobility, and thermodynamic stability) performed at Invitae indicates that this missense variant is not expected to disrupt COL11A2 protein function with a negative predictive value of 95%. In summary, the available evidence is currently insufficient to determine the role of this variant in disease. Therefore, it has been classified as a Variant of Uncertain Significance.